The following is an entry in ClinVar:

NM_014252.4(SLC25A15):c.81del (p.Gln28fs)

Gene: SLC25A15 (solute carrier family 25 member 15; plus strand). Cytogenetic location: 13q14.11.
Variant type: Deletion.
Coding change: c.81del on transcript NM_014252.4 (MANE Select); coding-DNA position 81, one base deleted (G; older notation c.81delG).
Protein change: p.Gln28fs; shifts the reading frame from glutamine 28.
Molecular consequence: frameshift variant. On other transcripts: non-coding transcript variant (2).
Genome position (GRCh38, 1-based): chr13:40,799,082, G deleted; the last of 3 consecutive G bases (chr13:40,799,080-40,799,082); deleting any one gives the same sequence. VCF-style (leftmost placement, unchanged base first): chr13-40799079-CG-C. GRCh37 (hg19) VCF-style: chr13-41373215-CG-C.
Other names: short protein forms Q28fs.
Identifiers: ClinVar variation 2251598 (VCV002251598.2), dbSNP rs2546917536, ClinGen allele CA2580087519.

ClinVar aggregate classification (germline): Pathogenic (1 of 4 stars; one submission).

Conditions:
Inborn genetic diseases. Identifiers: MedGen C0950123, MeSH D030342.

Submission:

Ambry Genetics
Classification: Pathogenic for Inborn genetic diseases. Last evaluated: 2021-11-01. Review status: criteria provided, single submitter. Criteria: Ambry Variant Classification Scheme 2023. Collection method: clinical testing. Allele origin: germline.
Comment: The c.81delG (p.Q28Sfs*6) alteration, located in exon 3 (coding exon 2) of the SLC25A15 gene, consists of a deletion of one nucleotide at position 81, causing a translational frameshift with a predicted alternate stop codon after 6 amino acids. This alteration is expected to result in loss of function by premature protein truncation or nonsense-mediated mRNA decay. This variant was not reported in population-based cohorts in the Genome Aggregation Database (gnomAD). Based on the available evidence, this alteration is classified as pathogenic.